The following is an entry in ClinVar:

NM_144997.7(FLCN):c.828delinsAGA (p.Ala277fs)

Gene: FLCN (folliculin; minus strand). Cytogenetic location: 17p11.2.
Variant type: Indel.
Coding change: c.828delinsAGA on transcript NM_144997.7 (MANE Select); coding-DNA position 828, T replaced by AGA.
Protein change: p.Ala277fs; shifts the reading frame from alanine 277.
Molecular consequence: frameshift variant.
Genome position (GRCh38, 1-based): chr17:17,221,580, A replaced by TCT on the plus strand (T replaced by AGA on the coding strand, the reverse complement: FLCN is on the minus strand). VCF-style: chr17-17221580-A-TCT. GRCh37 (hg19) VCF-style: chr17-17124894-A-TCT.
Other names: c.828delTinsAGA (LRG_325t1); c.882delinsAGA, p.Ala295fs (NM_001353229.2); c.828delinsAGA, p.Ala277fs (NM_001353230.2, NM_001353231.2, NM_144606.7); short protein forms A295fs, A277fs.
Identifiers: ClinVar variation 241931 (VCV000241931.8), dbSNP rs878855220, ClinGen allele CA10583454.
Genomic context (GRCh38, chr17:17,221,580, plus strand): 5'-CAGCACCCCTGCCTCACCAGCGAGCTTCTCCATCTGGACCAAGGTATCCTCGGTCGGAGC[A>TCT]CCTTCCAGGAGCTTCTCGGTCAGCCGGCTGCCACACGCCTTCAGGAGCCTGGAGAACACA-3'

ClinVar aggregate classification (germline): Pathogenic (1 of 4 stars; one submission).

Conditions:
Birt-Hogg-Dube syndrome. Also called: Birt Hogg Dubé syndrome. Identifiers: Orphanet 122, MedGen C0346010, MONDO:0800444.

Submission:

Labcorp Genetics (formerly Invitae), Labcorp
Classification: Pathogenic for Birt-Hogg-Dube syndrome. Last evaluated: 2019-11-25. Review status: criteria provided, single submitter. Criteria: Invitae Variant Classification Sherloc (09022015). Collection method: clinical testing. Allele origin: germline.
Comment: For these reasons, this variant has been classified as Pathogenic. Loss-of-function variants in FLCN are known to be pathogenic (PMID: 15852235). This variant has not been reported in the literature in individuals with FLCN-related conditions. ClinVar contains an entry for this variant (Variation ID: 241931). This variant is not present in population databases (ExAC no frequency). This sequence change creates a premature translational stop signal (p.Ala277Glufs*17) in the FLCN gene. It is expected to result in an absent or disrupted protein product.

Literature cited by the submitters: PubMed 15852235.